The following is an entry in ClinVar:

ClinVar aggregate classification (germline): Uncertain significance (1 of 4 stars; one submission).

gnomAD v4.1: 2 of 1,614,108 alleles (0.00012%); highest among the groups gnomAD compares: Non-Finnish European, 0.00017%; no homozygotes.

Submission:

Ambry Genetics
Classification: Uncertain significance. Last evaluated: 2024-12-29. Review status: criteria provided, single submitter. Criteria: Ambry Variant Classification Scheme 2023. Collection method: clinical testing. Allele origin: germline.
Comment: The p.H36Q variant (also known as c.108C>G), located in coding exon 1 of the CDK12 gene, results from a C to G substitution at nucleotide position 108. The histidine at codon 36 is replaced by glutamine, an amino acid with highly similar properties. This amino acid position is conserved. In addition, this alteration is predicted to be tolerated by in silico analysis. Based on the available evidence, the clinical significance of this variant remains unclear.

NM_016507.4(CDK12):c.108C>G (p.His36Gln)

Genes: CDK12 (cyclin dependent kinase 12; plus strand), LOC126862553 (CDK7 strongly-dependent group 2 enhancer GRCh37_chr17:37618166-37619365; plus strand). Cytogenetic location: 17q12.
Variant type: single nucleotide variant.
Coding change: c.108C>G on transcript NM_016507.4 (MANE Select); coding-DNA position 108, C replaced by G.
Protein change: p.His36Gln; replaces histidine 36 with glutamine.
Molecular consequence: missense variant.
Genome position (GRCh38, 1-based): chr17:39,462,179, C>G. VCF-style: chr17-39462179-C-G. GRCh37 (hg19) VCF-style: chr17-37618432-C-G.
Other names: c.108C>G, p.His36Gln (NM_015083.4); short protein forms H36Q.
Identifiers: ClinVar variation 3830421 (VCV003830421.1).